The following is an entry in ClinVar:

NM_001792.5(CDH2):c.2150G>C (p.Gly717Ala)

Gene: CDH2 (cadherin 2; minus strand). Cytogenetic location: 18q12.1.
Variant type: single nucleotide variant.
Coding change: c.2150G>C on transcript NM_001792.5 (MANE Select); coding-DNA position 2150, G replaced by C.
Protein change: p.Gly717Ala; replaces glycine 717 with alanine.
Molecular consequence: missense variant.
Genome position (GRCh38, 1-based): chr18:27,985,059, C>G on the plus strand (G>C on the coding strand, the complement: CDH2 is on the minus strand). VCF-style: chr18-27985059-C-G. GRCh37 (hg19) VCF-style: chr18-25565023-C-G.
Other names: c.2057G>C, p.Gly686Ala (NM_001308176.2); c.2150G>C (NM_001792.3); short protein forms G686A, G717A.
Identifiers: ClinVar variation 1413345 (VCV001413345.8), dbSNP rs201543789, ClinGen allele CA8923229.
Genomic context (GRCh38, chr18:27,985,059, plus strand): 5'-CTAAGCAGGATGATGATGCAGAGCAGGATGGCAATGATGGCACCGGTGCCAAGCCCCGCA[C>G]CCACAATCCTGTCCACATCTGTGCAGTCCCCGTTGGAGTCACACTGGCAAACCTTCACAC-3'
Protein context (NP_001783.2, residues 707-727): GDCTDVDRIV[Gly717Ala]AGLGTGAIIA

ClinVar aggregate classification (germline): Conflicting classifications of pathogenicity. Review status: criteria provided, conflicting classifications (1 of 4 stars). 3 submissions from 3 submitters: Uncertain significance (1); Likely benign (2). Last evaluated 2025-12-31.

Conditions:
Inborn genetic diseases. Identifiers: MedGen C0950123, MeSH D030342.

Allele frequency attached by ClinVar (database versions not stated): ESP Exome Variant Server 0.00008.
gnomAD v4.1: 144 of 1,614,056 alleles (0.0089%); highest among the groups gnomAD compares: Admixed American, 0.023%; no homozygotes.

Submissions (3):

Labcorp Genetics (formerly Invitae), Labcorp
Classification: Uncertain significance. Last evaluated: 2025-12-31. Review status: criteria provided, single submitter. Criteria: Invitae Variant Classification Sherloc (09022015). Collection method: clinical testing. Allele origin: germline.
Comment: This sequence change replaces glycine, which is neutral and non-polar, with alanine, which is neutral and non-polar, at codon 717 of the CDH2 protein (p.Gly717Ala). This variant is present in population databases (rs201543789, gnomAD 0.006%). This variant has not been reported in the literature in individuals affected with CDH2-related conditions. ClinVar contains an entry for this variant (Variation ID: 1413345). An algorithm developed to predict the effect of missense changes on protein structure and function (PolyPhen-2) suggests that this variant is likely to be tolerated. In summary, the available evidence is currently insufficient to determine the role of this variant in disease. Therefore, it has been classified as a Variant of Uncertain Significance.

Ambry Genetics
Classification: Likely benign for Inborn genetic diseases. Last evaluated: 2023-11-15. Review status: criteria provided, single submitter. Criteria: Ambry Variant Classification Scheme 2023. Collection method: clinical testing. Allele origin: germline.

Blueprint Genetics
Classification: Likely benign. Last evaluated: 2023-05-05. Review status: criteria provided, single submitter. Criteria: ACMG Guidelines, 2015. Collection method: clinical testing. Allele origin: germline.